The following is an entry in ClinVar:

NM_003139.4(SRPRA):c.1448G>A (p.Gly483Asp)

Gene: SRPRA (SRP receptor subunit alpha; minus strand). Cytogenetic location: 11q24.2.
Variant type: single nucleotide variant.
Coding change: c.1448G>A on transcript NM_003139.4 (MANE Select); coding-DNA position 1448, G replaced by A.
Protein change: p.Gly483Asp; replaces glycine 483 with aspartic acid.
Molecular consequence: missense variant.
Genome position (GRCh38, 1-based): chr11:126,265,036, C>T on the plus strand (G>A on the coding strand, the complement: SRPRA is on the minus strand). VCF-style: chr11-126265036-C-T. GRCh37 (hg19) VCF-style: chr11-126134931-C-T.
Other names: NC_000011.9:g.126134931C>T; c.1364G>A, p.Gly455Asp (NM_001177842.2); c.1448G>A (NM_003139.3); short protein forms G455D, G483D.
Identifiers: ClinVar variation 2642522 (VCV002642522.26), dbSNP rs114538197, ClinGen allele CA6353348.

ClinVar aggregate classification (germline): Benign. Review status: criteria provided, single submitter (1 of 4 stars). 2 submissions from 2 submitters: Benign (1). 1 of the submissions does not count toward it. Last evaluated 2022-07-01.

Conditions:
SRPRA-related disorder. Also called: SRPRA-related condition.

Allele frequency attached by ClinVar (database versions not stated): 1000 Genomes Project 30x 0.00156; 1000 Genomes Project 0.00200; ExAC 0.00505; TOPMed 0.00574; gnomAD 0.00605; ESP Exome Variant Server 0.00900; gnomAD exomes 0.01027.
gnomAD v4.1: 15,819 of 1,614,186 alleles (0.98%); highest among the groups gnomAD compares: Non-Finnish European, 1.2%; 98 homozygotes.

Submissions (16):

CeGaT Center for Human Genetics Tuebingen
Classification: Benign. Last evaluated: 2022-07-01. Review status: criteria provided, single submitter. Criteria: CeGaT Center For Human Genetics Tuebingen Variant Classification Criteria Version 2. Collection method: clinical testing. Allele origin: germline. Affected: yes. Observed: 1 variant allele.
Comment: SRPRA: BS1, BS2

PreventionGenetics, part of Exact Sciences
Classification: Benign for SRPRA-related condition. Last evaluated: 2020-04-29. Review status: no assertion criteria provided. Collection method: clinical testing. Allele origin: germline. Not counted in ClinVar's aggregate classification.
Comment: This variant is classified as benign based on ACMG/AMP sequence variant interpretation guidelines (Richards et al. 2015 PMID: 25741868, with internal and published modifications).

Dr. Peter K. Rogan Lab, Western University
No classification provided (evidence only). Condition: Clear cell carcinoma of kidney. Review status: no classification provided. Collection method: in vitro. Allele origin: not applicable. Functional consequence: retained intron. Not counted in ClinVar's aggregate classification.

Dr. Peter K. Rogan Lab, Western University
No classification provided (evidence only). Condition: Melanoma. Review status: no classification provided. Collection method: in vitro. Allele origin: not applicable. Functional consequence: cryptic splice site. Not counted in ClinVar's aggregate classification.

Dr. Peter K. Rogan Lab, Western University
No classification provided (evidence only). Condition: Acute myeloid leukemia. Review status: no classification provided. Collection method: in vitro. Allele origin: not applicable. Functional consequence: retained intron. Not counted in ClinVar's aggregate classification.

Dr. Peter K. Rogan Lab, Western University
No classification provided (evidence only). Condition: Colon adenocarcinoma. Review status: no classification provided. Collection method: in vitro. Allele origin: not applicable. Functional consequence: retained intron. Not counted in ClinVar's aggregate classification.

Dr. Peter K. Rogan Lab, Western University
No classification provided (evidence only). Condition: Uterine corpus endometrial carcinoma. Review status: no classification provided. Collection method: in vitro. Allele origin: not applicable. Functional consequence: retained intron. Not counted in ClinVar's aggregate classification.

Dr. Peter K. Rogan Lab, Western University
No classification provided (evidence only). Condition: Sarcoma. Review status: no classification provided. Collection method: in vitro. Allele origin: not applicable. Functional consequence: retained intron. Not counted in ClinVar's aggregate classification.

Dr. Peter K. Rogan Lab, Western University
No classification provided (evidence only). Condition: Sarcoma. Review status: no classification provided. Collection method: in vitro. Allele origin: not applicable. Functional consequence: cryptic splice site. Not counted in ClinVar's aggregate classification.

Dr. Peter K. Rogan Lab, Western University
No classification provided (evidence only). Condition: Sarcoma. Review status: no classification provided. Collection method: in vitro. Allele origin: not applicable. Functional consequence: cryptic splice site. Not counted in ClinVar's aggregate classification.

Dr. Peter K. Rogan Lab, Western University
No classification provided (evidence only). Condition: Hepatocellular carcinoma. Review status: no classification provided. Collection method: in vitro. Allele origin: not applicable. Functional consequence: retained intron. Not counted in ClinVar's aggregate classification.

Dr. Peter K. Rogan Lab, Western University
No classification provided (evidence only). Condition: Hepatocellular carcinoma. Review status: no classification provided. Collection method: in vitro. Allele origin: not applicable. Functional consequence: retained intron. Not counted in ClinVar's aggregate classification.

Dr. Peter K. Rogan Lab, Western University
No classification provided (evidence only). Condition: Hepatocellular carcinoma. Review status: no classification provided. Collection method: in vitro. Allele origin: not applicable. Functional consequence: retained intron. Not counted in ClinVar's aggregate classification.

Dr. Peter K. Rogan Lab, Western University
No classification provided (evidence only). Condition: Ovarian serous cystadenocarcinoma. Review status: no classification provided. Collection method: in vitro. Allele origin: not applicable. Functional consequence: retained intron. Not counted in ClinVar's aggregate classification.

Dr. Peter K. Rogan Lab, Western University
No classification provided (evidence only). Condition: Ovarian serous cystadenocarcinoma. Review status: no classification provided. Collection method: in vitro. Allele origin: not applicable. Functional consequence: retained intron. Not counted in ClinVar's aggregate classification.

Dr. Peter K. Rogan Lab, Western University
No classification provided (evidence only). Condition: Ovarian serous cystadenocarcinoma. Review status: no classification provided. Collection method: in vitro. Allele origin: not applicable. Functional consequence: retained intron. Not counted in ClinVar's aggregate classification.